The following is an entry in ClinVar:

ClinVar aggregate classification (germline): Uncertain significance (1 of 4 stars; one submission).

Conditions:
Symmetrical dyschromatosis of extremities (DSH). Also called: DYSCHROMATOSIS SYMMETRICA HEREDITARIA 1; RETICULATE ACROPIGMENTATION OF DOHI; SYMMETRIC DYSCHROMATOSIS OF THE EXTREMITIES; Dyschromatosis symmetrica hereditaria. Identifiers: Orphanet 41, MedGen C0406775, MONDO:0007483, OMIM 127400.
Aicardi-Goutieres syndrome 6 (AGS6). Identifiers: Orphanet 51, MedGen C3539013, MONDO:0014007, OMIM 615010.

Submission:

Labcorp Genetics (formerly Invitae), Labcorp
Classification: Uncertain significance for Aicardi-Goutieres syndrome 6; Symmetrical dyschromatosis of extremities. Last evaluated: 2024-02-14. Review status: criteria provided, single submitter. Criteria: Invitae Variant Classification Sherloc (09022015). Collection method: clinical testing. Allele origin: germline.
Comment: This sequence change replaces glutamic acid, which is acidic and polar, with aspartic acid, which is acidic and polar, at codon 382 of the ADAR protein (p.Glu382Asp). This variant is not present in population databases (gnomAD no frequency). This variant has not been reported in the literature in individuals affected with ADAR-related conditions. Advanced modeling of protein sequence and biophysical properties (such as structural, functional, and spatial information, amino acid conservation, physicochemical variation, residue mobility, and thermodynamic stability) performed at Invitae indicates that this missense variant is not expected to disrupt ADAR protein function with a negative predictive value of 80%. In summary, the available evidence is currently insufficient to determine the role of this variant in disease. Therefore, it has been classified as a Variant of Uncertain Significance.

NM_001111.5(ADAR):c.1146G>C (p.Glu382Asp)

Gene: ADAR (adenosine deaminase RNA specific; minus strand). Cytogenetic location: 1q21.3.
Variant type: single nucleotide variant.
Coding change: c.1146G>C on transcript NM_001111.5 (MANE Select); coding-DNA position 1146, G replaced by C.
Protein change: p.Glu382Asp; replaces glutamic acid 382 with aspartic acid.
Molecular consequence: missense variant.
Genome position (GRCh38, 1-based): chr1:154,601,496, C>G on the plus strand (G>C on the coding strand, the complement: ADAR is on the minus strand). VCF-style: chr1-154601496-C-G. GRCh37 (hg19) VCF-style: chr1-154573972-C-G.
Other names: c.261G>C, p.Glu87Asp (NM_001025107.3, NM_001193495.2, NM_001365046.1 and 3 more transcripts); c.1173G>C, p.Glu391Asp (NM_001365045.1); c.1146G>C, p.Glu382Asp (NM_015840.4, NM_015841.4); short protein forms E382D, E391D, E87D.
Identifiers: ClinVar variation 2948943 (VCV002948943.3), dbSNP rs2526652512, ClinGen allele CA342598448.
Genomic context (GRCh38, chr1:154,601,496, plus strand): 5'-GTTATTTGAGGCATTTGATGTGGGTATATTACAGGTGAGGAACTCTGCGTTTCTTTTGGT[C>G]TCAGGGATTGCAGCTGGAGCGGTTTCAGGAACACTGTTCGTATTTCTCTTGATTTGCATC-3'
Protein context (NP_001102.3, residues 372-392): VPETAPAAIP[Glu382Asp]TKRNAEFLTC